The following is an entry in ClinVar:

NM_017654.4(SAMD9):c.800T>C (p.Met267Thr)

Gene: SAMD9 (sterile alpha motif domain containing 9; minus strand). Cytogenetic location: 7q21.2.
Variant type: single nucleotide variant.
Coding change: c.800T>C on transcript NM_017654.4 (MANE Select); coding-DNA position 800, T replaced by C.
Protein change: p.Met267Thr; replaces methionine 267 with threonine.
Molecular consequence: missense variant.
Genome position (GRCh38, 1-based): chr7:93,105,298, A>G on the plus strand (T>C on the coding strand, the complement: SAMD9 is on the minus strand). VCF-style: chr7-93105298-A-G. GRCh37 (hg19) VCF-style: chr7-92734611-A-G.
Other names: c.800T>C, p.Met267Thr (NM_001193307.2); short protein forms M267T.
Identifiers: ClinVar variation 3792063 (VCV003792063.1).
Genomic context (GRCh38, chr7:93,105,298, plus strand): 5'-GGCTCTCGAATGCACTTCTTTGCTTGTTGGACTTGATGGTCTTCAAAATACTTGTTTATC[A>G]TCAGATTGAAATGGTTAATGAGGGCTTCCTTGGTATCATTGGTGACTTTGATGCCAACAA-3'
Protein context (NP_060124.2, residues 257-277): KEALINHFNL[Met267Thr]INKYFEDHQV

ClinVar aggregate classification (germline): Uncertain significance (1 of 4 stars; one submission).

Conditions:
Inborn genetic diseases. Identifiers: MedGen C0950123, MeSH D030342.

Submission:

Ambry Genetics
Classification: Uncertain significance for Inborn genetic diseases. Last evaluated: 2025-02-08. Review status: criteria provided, single submitter. Criteria: Ambry Variant Classification Scheme 2023. Collection method: clinical testing. Allele origin: germline.
Comment: The p.M267T variant (also known as c.800T>C), located in coding exon 1 of the SAMD9 gene, results from a T to C substitution at nucleotide position 800. The methionine at codon 267 is replaced by threonine, an amino acid with similar properties. This amino acid position is conserved. In addition, this alteration is predicted to be tolerated by in silico analysis. Based on the available evidence, the clinical significance of this variant remains unclear.